The following is an entry in ClinVar:

NM_006005.3(WFS1):c.667C>A (p.Leu223Met)

Gene: WFS1 (wolframin ER transmembrane glycoprotein; plus strand). Cytogenetic location: 4p16.1.
Variant type: single nucleotide variant.
Coding change: c.667C>A on transcript NM_006005.3 (MANE Select); coding-DNA position 667, C replaced by A.
Protein change: p.Leu223Met; replaces leucine 223 with methionine.
Molecular consequence: missense variant.
Genome position (GRCh38, 1-based): chr4:6,291,952, C>A. VCF-style: chr4-6291952-C-A. GRCh37 (hg19) VCF-style: chr4-6293679-C-A.
Other names: c.667C>A, p.Leu223Met (NM_001145853.1); short protein forms L223M.
Identifiers: ClinVar variation 393387 (VCV000393387.2), dbSNP rs1057524889, ClinGen allele CA16609251.

ClinVar aggregate classification (germline): Uncertain significance. Review status: criteria provided, multiple submitters, no conflicts (2 of 4 stars). 2 submissions from 2 submitters: Uncertain significance (2). Last evaluated 2016-10-07.

Conditions:
Monogenic diabetes. Identifiers: Orphanet 183625, MedGen C3888631, MONDO:0015967.
Wolfram syndrome 1 (WFS1). Identifiers: Orphanet 3463, MedGen C4551693, MONDO:0009101, OMIM 222300.

gnomAD v4.1: 1 of 1,611,358 alleles (0.000062%); no homozygotes.

Submissions (2):

Personalized Diabetes Medicine Program, University of Maryland School of Medicine
Classification: Uncertain significance for Monogenic diabetes. Last evaluated: 2016-10-07. Review status: criteria provided, single submitter. Criteria: ACMG Guidelines, 2015. Collection method: research. Allele origin: unknown. Observed: 1 variant allele, 1 heterozygote.
Comment: ACMG Criteria: PM2, PP3, BP4

Clinical Genomics, Uppaluri K&H Personalized Medicine Clinic
Classification: Uncertain significance for Wolfram syndrome 1. Review status: criteria provided, single submitter. Criteria: K & H Uppaluri Personalized Medicine Clinic Variant Classification & Assertion Criteria_Updated V.1. Collection method: research. Allele origin: unknown. Inheritance: Autosomal recessive inheritance.
Comment: Potent mutations in WFS1 gene are associated with Wolfram's syndrome, an autosomal recessive condition, which cause diabetes mellitus, diabetes insipidus, deafness and optic atrophy. However no sufficient evidence is found to ascertain the role of this particular variant rs1057524889 in Wolfram's syndrome yet.

Literature cited by the submitters: PubMed 20738327 (cited by Clinical Genomics, Uppaluri K&H Personalized Medicine Clinic); PubMed 33879153 (cited by Clinical Genomics, Uppaluri K&H Personalized Medicine Clinic); PubMed 12955714 (cited by Clinical Genomics, Uppaluri K&H Personalized Medicine Clinic); PubMed 18060660 (cited by Clinical Genomics, Uppaluri K&H Personalized Medicine Clinic); PubMed 20301750 (cited by Clinical Genomics, Uppaluri K&H Personalized Medicine Clinic); PubMed 17603484 (cited by Clinical Genomics, Uppaluri K&H Personalized Medicine Clinic).